The following is an entry in ClinVar:

NM_078480.3(PUF60):c.1219C>T (p.Pro407Ser)

Gene: PUF60 (poly(U) binding splicing factor 60; minus strand). Cytogenetic location: 8q24.3.
Variant type: single nucleotide variant.
Coding change: c.1219C>T on transcript NM_078480.3 (MANE Select); coding-DNA position 1219, C replaced by T.
Protein change: p.Pro407Ser; replaces proline 407 with serine.
Molecular consequence: missense variant.
Genome position (GRCh38, 1-based): chr8:143,817,071, G>A on the plus strand (C>T on the coding strand, the complement: PUF60 is on the minus strand). VCF-style: chr8-143817071-G-A. GRCh37 (hg19) VCF-style: chr8-144899241-G-A.
Other names: c.1090C>T, p.Pro364Ser (NM_001136033.3); c.1165C>T, p.Pro389Ser (NM_001271096.2); c.1081C>T, p.Pro361Ser (NM_001271097.2); c.1216C>T, p.Pro406Ser (NM_001271098.2); c.1132C>T, p.Pro378Ser (NM_001271099.2); c.1039C>T, p.Pro347Ser (NM_001271100.2); c.1330C>T, p.Pro444Ser (NM_001362895.2, NM_001362896.2); c.1279C>T, p.Pro427Ser (NM_001362897.2); and 1 more; short protein forms P347S, P361S, P364S, P378S, P389S, P390S, P406S, P407S.
Identifiers: ClinVar variation 3365337 (VCV003365337.1).

ClinVar aggregate classification (germline): Uncertain significance (1 of 4 stars; one submission).

Submission:

GeneDx
Classification: Uncertain significance. Last evaluated: 2023-12-07. Review status: criteria provided, single submitter. Criteria: GeneDx Variant Classification Process June 2021. Collection method: clinical testing. Allele origin: germline. Affected: yes.
Comment: Not observed at significant frequency in large population cohorts (gnomAD); In silico analysis supports that this missense variant does not alter protein structure/function; Has not been previously published as pathogenic or benign to our knowledge